The following is an entry in ClinVar:

NM_000466.3(PEX1):c.1834A>G (p.Ile612Val)

Gene: PEX1 (peroxisomal biogenesis factor 1; minus strand). Cytogenetic location: 7q21.2.
Variant type: single nucleotide variant.
Coding change: c.1834A>G on transcript NM_000466.3 (MANE Select); coding-DNA position 1834, A replaced by G.
Protein change: p.Ile612Val; replaces isoleucine 612 with valine.
Molecular consequence: missense variant.
Genome position (GRCh38, 1-based): chr7:92,506,314, T>C on the plus strand (A>G on the coding strand, the complement: PEX1 is on the minus strand). VCF-style: chr7-92506314-T-C. GRCh37 (hg19) VCF-style: chr7-92135628-T-C.
Other names: c.1834A>G, p.Ile612Val (NM_001282677.2); c.1210A>G, p.Ile404Val (NM_001282678.2); short protein forms I612V, I404V.
Identifiers: ClinVar variation 1961599 (VCV001961599.5), dbSNP rs763116900, ClinGen allele CA4341280.
Genomic context (GRCh38, chr7:92,506,314, plus strand): 5'-AAGCTTTACAGTCAACTCTCTCCACATGGGCATCCAGTTTGTCAAATGCTTCTTTACAGA[T>C]TGCTTTGGCTAAAGTTGATTTTCCACTTCCCTAGAAAATAATTGCTTTATAGGAATTCCC-3'
Protein context (NP_000457.1, residues 602-622): GSGKSTLAKA[Ile612Val]CKEAFDKLDA

ClinVar aggregate classification (germline): Uncertain significance (1 of 4 stars; one submission).

Conditions:
Zellweger spectrum disorders (ZS). Also called: Zellweger Spectrum Disorder (ZSD); Zellweger syndrome; Zellweger Spectrum Disorder; Zellweger Spectrum. Identifiers: Orphanet 912, MedGen C0043459, MONDO:0019609.

Allele frequency attached by ClinVar (database versions not stated): gnomAD exomes 0.00001; ExAC 0.00002.
gnomAD v4.1: 3 of 1,611,222 alleles (0.00019%); highest among the groups gnomAD compares: Middle Eastern, 0.033%; no homozygotes.

Submission:

Labcorp Genetics (formerly Invitae), Labcorp
Classification: Uncertain significance for Zellweger spectrum disorders. Last evaluated: 2022-01-02. Review status: criteria provided, single submitter. Criteria: Invitae Variant Classification Sherloc (09022015). Collection method: clinical testing. Allele origin: germline.
Comment: In summary, the available evidence is currently insufficient to determine the role of this variant in disease. Therefore, it has been classified as a Variant of Uncertain Significance. Algorithms developed to predict the effect of missense changes on protein structure and function output the following: SIFT: "Tolerated"; PolyPhen-2: "Benign"; Align-GVGD: "Class C15". The valine amino acid residue is found in multiple mammalian species, which suggests that this missense change does not adversely affect protein function. This variant has not been reported in the literature in individuals affected with PEX1-related conditions. This variant is present in population databases (rs763116900, gnomAD 0.002%). This sequence change replaces isoleucine, which is neutral and non-polar, with valine, which is neutral and non-polar, at codon 612 of the PEX1 protein (p.Ile612Val).